The following is an entry in ClinVar:

NM_005072.5(SLC12A4):c.2075C>T (p.Pro692Leu)

Gene: SLC12A4 (solute carrier family 12 member 4; minus strand). Cytogenetic location: 16q22.1.
Variant type: single nucleotide variant.
Coding change: c.2075C>T on transcript NM_005072.5 (MANE Select); coding-DNA position 2075, C replaced by T.
Protein change: p.Pro692Leu; replaces proline 692 with leucine.
Molecular consequence: missense variant.
Genome position (GRCh38, 1-based): chr16:67,947,103, G>A on the plus strand (C>T on the coding strand, the complement: SLC12A4 is on the minus strand). VCF-style: chr16-67947103-G-A. GRCh37 (hg19) VCF-style: chr16-67981006-G-A.
Other names: c.2075C>T, p.Pro692Leu (NM_001145961.2); c.2081C>T, p.Pro694Leu (NM_001145962.1); c.2057C>T, p.Pro686Leu (NM_001145963.2); c.1982C>T, p.Pro661Leu (NM_001145964.2); short protein forms P661L, P686L, P692L, P694L.
Identifiers: ClinVar variation 4851630 (VCV004851630.1).

ClinVar aggregate classification (germline): Uncertain significance (1 of 4 stars; one submission).

Submission:

Greenwood Genetic Center Diagnostic Laboratories, Greenwood Genetic Center
Classification: Uncertain significance. Last evaluated: 2025-02-07. Review status: criteria provided, single submitter. Criteria: ACMG Guidelines, 2015. Collection method: clinical testing. Allele origin: germline.
Comment: Gene of Uncertain Significance